The following is an entry in ClinVar:

NM_000057.4(BLM):c.2534T>C (p.Leu845Pro)

Gene: BLM (BLM RecQ like helicase; plus strand). Cytogenetic location: 15q26.1.
Variant type: single nucleotide variant.
Coding change: c.2534T>C on transcript NM_000057.4 (MANE Select); coding-DNA position 2534, T replaced by C.
Protein change: p.Leu845Pro; replaces leucine 845 with proline.
Molecular consequence: missense variant.
Genome position (GRCh38, 1-based): chr15:90,769,565, T>C. VCF-style: chr15-90769565-T-C. GRCh37 (hg19) VCF-style: chr15-91312795-T-C.
Other names: c.2534T>C, p.Leu845Pro (NM_001287246.2, NM_001287247.2); c.1409T>C, p.Leu470Pro (NM_001287248.2); short protein forms L470P, L845P.
Identifiers: ClinVar variation 1792746 (VCV001792746.8), dbSNP rs981608488, ClinGen allele CA274743573.

ClinVar aggregate classification (germline): Uncertain significance. Review status: criteria provided, multiple submitters, no conflicts (2 of 4 stars). 2 submissions from 2 submitters: Uncertain significance (2). Last evaluated 2024-08-12.

Conditions:
Hereditary cancer-predisposing syndrome. Also called: Tumor predisposition; Hereditary Cancer Syndrome; Neoplastic Syndromes, Hereditary; Hereditary neoplastic syndrome. Identifiers: Orphanet 140162, MedGen C0027672, MeSH D009386, MONDO:0015356.
Bloom syndrome (BLM). Also called: Bloom-Torre-Machacek syndrome. Identifiers: Orphanet 125, MedGen C0005859, MONDO:0008876, OMIM 210900.

Allele frequency attached by ClinVar (database versions not stated): gnomAD exomes below 0.00001; TOPMed below 0.00001; gnomAD 0.00001.
gnomAD v4.1: 3 of 1,613,890 alleles (0.00019%); highest among the groups gnomAD compares: Non-Finnish European, 0.00025%; no homozygotes.

Submissions (2):

Ambry Genetics
Classification: Uncertain significance for Hereditary cancer-predisposing syndrome. Last evaluated: 2024-08-12. Review status: criteria provided, single submitter. Criteria: Ambry Variant Classification Scheme 2023. Collection method: clinical testing. Allele origin: germline.
Comment: The p.L845P variant (also known as c.2534T>C), located in coding exon 11 of the BLM gene, results from a T to C substitution at nucleotide position 2534. The leucine at codon 845 is replaced by proline, an amino acid with similar properties. This amino acid position is highly conserved in available vertebrate species. In addition, this alteration is predicted to be deleterious by BayesDel in silico analysis. Since supporting evidence is limited at this time, the clinical significance of this alteration remains unclear.

Labcorp Genetics (formerly Invitae), Labcorp
Classification: Uncertain significance for Bloom syndrome. Last evaluated: 2022-08-08. Review status: criteria provided, single submitter. Criteria: Invitae Variant Classification Sherloc (09022015). Collection method: clinical testing. Allele origin: germline.
Comment: In summary, the available evidence is currently insufficient to determine the role of this variant in disease. Therefore, it has been classified as a Variant of Uncertain Significance. Algorithms developed to predict the effect of missense changes on protein structure and function are either unavailable or do not agree on the potential impact of this missense change (SIFT: "Deleterious"; PolyPhen-2: "Probably Damaging"; Align-GVGD: "Class C0"). This variant has not been reported in the literature in individuals affected with BLM-related conditions. This sequence change replaces leucine, which is neutral and non-polar, with proline, which is neutral and non-polar, at codon 845 of the BLM protein (p.Leu845Pro). This variant is not present in population databases (gnomAD no frequency).